The following is an entry in ClinVar:

ClinVar aggregate classification (germline): Likely benign. Review status: criteria provided, multiple submitters, no conflicts (2 of 4 stars). 3 submissions from 3 submitters: Likely benign (3). Last evaluated 2025-11-24.

Conditions:
Hereditary cancer-predisposing syndrome. Also called: Hereditary Cancer Syndrome; Hereditary neoplastic syndrome; Neoplastic Syndromes, Hereditary; Tumor predisposition. Identifiers: Orphanet 140162, MedGen C0027672, MeSH D009386, MONDO:0015356.
Familial cancer of breast. Also called: hereditary breast carcinoma; BREAST CANCER, FAMILIAL; Hereditary breast cancer. Identifiers: Orphanet 227535, MedGen C0346153, MONDO:0016419, OMIM 114480. Disease mechanism: loss of function.
Ataxia-telangiectasia syndrome (AT). Also called: Ataxia-telangiectasia, complementation group E; LOUIS-BAR SYNDROME; Cerebello-oculocutaneous telangiectasia; Immunodeficiency with ataxia telangiectasia; Ataxia-telangiectasia, complementation group D; AT, COMPLEMENTATION GROUP C. Identifiers: Orphanet 100, MedGen C0004135, MONDO:0008840, OMIM 208900.

Allele frequency attached by ClinVar (database versions not stated): gnomAD exomes below 0.00001.
gnomAD v4.1: 2 of 1,611,806 alleles (0.00012%); highest among the groups gnomAD compares: South Asian, 0.0022%; no homozygotes.

Submissions (3):

Labcorp Genetics (formerly Invitae), Labcorp
Classification: Likely benign for Ataxia-telangiectasia syndrome. Last evaluated: 2025-11-24. Review status: criteria provided, single submitter. Criteria: Invitae Variant Classification Sherloc (09022015). Collection method: clinical testing. Allele origin: germline.

Myriad Genetics, Inc.
Classification: Likely benign for Familial cancer of breast. Last evaluated: 2024-05-15. Review status: criteria provided, single submitter. Criteria: Myriad Autosomal Dominant, Autosomal Recessive and X-Linked Classification Criteria (2023). Collection method: clinical testing. Allele origin: unknown.
Comment: This variant is considered likely benign. This variant is intronic and is not expected to impact mRNA splicing.

Color Diagnostics, LLC DBA Color Health
Classification: Likely benign for Hereditary cancer-predisposing syndrome. Last evaluated: 2019-04-23. Review status: criteria provided, single submitter. Criteria: ACMG Guidelines, 2015. Collection method: clinical testing. Allele origin: germline.

NM_000051.4(ATM):c.3577-14T>C

Gene: ATM (ATM serine/threonine kinase; plus strand). Cytogenetic location: 11q22.3.
Variant type: single nucleotide variant.
Coding change: c.3577-14T>C on transcript NM_000051.4 (MANE Select); 14 bases into the intron before coding-DNA position 3577, T replaced by C.
Molecular consequence: intron variant.
Genome position (GRCh38, 1-based): chr11:108,282,696, T>C. VCF-style: chr11-108282696-T-C. GRCh37 (hg19) VCF-style: chr11-108153423-T-C.
Other names: c.3577-14T>C (NM_001351834.2).
Identifiers: ClinVar variation 919976 (VCV000919976.8), dbSNP rs2082292356, ClinGen allele CA913187736.
Genomic context (GRCh38, chr11:108,282,696, plus strand): 5'-AATAATATTAACAAGCATTTAAATGATTTATTTTTTTCATTTTTCTTAACACATTGACTT[T>C]TTGGTTCGTGCAGGTTTTAGAGAAAGTTTCTGAAACTTTTGGATATAGACGTTTAGAAGA-3'